The following is an entry in ClinVar:

NM_020778.5(ALPK3):c.2264G>A (p.Cys755Tyr)

Gene: ALPK3 (alpha kinase 3; plus strand). Cytogenetic location: 15q25.3.
Variant type: single nucleotide variant.
Coding change: c.2264G>A on transcript NM_020778.5 (MANE Select); coding-DNA position 2264, G replaced by A.
Protein change: p.Cys755Tyr; replaces cysteine 755 with tyrosine.
Molecular consequence: missense variant.
Genome position (GRCh38, 1-based): chr15:84,857,002, G>A. VCF-style: chr15-84857002-G-A. GRCh37 (hg19) VCF-style: chr15-85400233-G-A.
Other names: short protein forms C755Y.
Identifiers: ClinVar variation 3682936 (VCV003682936.2).
Genomic context (GRCh38, chr15:84,857,002, plus strand): 5'-CATCCAGAACCCCCAAACTCCCACCTACAGCGGGTCCTAGAGCTCCTCTGAATATTGAAT[G>A]TTTTGTACAGACCCCAGAAGGGTCTTGTTTCCCAAAAAAACCTGGTTGCCTGCCCAGATC-3'
Protein context (NP_065829.4, residues 745-765): AGPRAPLNIE[Cys755Tyr]FVQTPEGSCF

ClinVar aggregate classification (germline): Uncertain significance (1 of 4 stars; one submission).

gnomAD v4.1: 1 of 1,614,156 alleles (0.000062%); highest among the groups gnomAD compares: Non-Finnish European, 0.000085%; no homozygotes.

Submission:

Labcorp Genetics (formerly Invitae), Labcorp
Classification: Uncertain significance. Last evaluated: 2025-12-22. Review status: criteria provided, single submitter. Criteria: Invitae Variant Classification Sherloc (09022015). Collection method: clinical testing. Allele origin: germline.
Comment: This sequence change replaces cysteine, which is neutral and slightly polar, with tyrosine, which is neutral and polar, at codon 957 of the ALPK3 protein (p.Cys957Tyr). This variant is not present in population databases (gnomAD no frequency). This variant has not been reported in the literature in individuals affected with ALPK3-related conditions. ClinVar contains an entry for this variant (Variation ID: 3682936). Invitae Evidence Modeling of protein sequence and biophysical properties (such as structural, functional, and spatial information, amino acid conservation, physicochemical variation, residue mobility, and thermodynamic stability) indicates that this missense variant is not expected to disrupt ALPK3 protein function with a negative predictive value of 80%. In summary, the available evidence is currently insufficient to determine the role of this variant in disease. Therefore, it has been classified as a Variant of Uncertain Significance.